The following is an entry in ClinVar:

NM_017636.4(TRPM4):c.2333C>T (p.Ala778Val)

Gene: TRPM4 (transient receptor potential cation channel subfamily M member 4; plus strand). Cytogenetic location: 19q13.33.
Variant type: single nucleotide variant.
Coding change: c.2333C>T on transcript NM_017636.4 (MANE Select); coding-DNA position 2333, C replaced by T.
Protein change: p.Ala778Val; replaces alanine 778 with valine.
Molecular consequence: missense variant. On other transcripts: intron variant (1).
Genome position (GRCh38, 1-based): chr19:49,196,562, C>T. VCF-style: chr19-49196562-C-T. GRCh37 (hg19) VCF-style: chr19-49699819-C-T.
Other names: c.1988C>T, p.Ala663Val (NM_001321281.2); c.725C>T, p.Ala242Val (NM_001321282.2); c.1811C>T, p.Ala604Val (NM_001321283.2); c.1271C>T, p.Ala424Val (NM_001321285.2); c.2211-3738C>T (NM_001195227.2); short protein forms A424V, A242V, A604V, A663V, A778V.
Identifiers: ClinVar variation 1789748 (VCV001789748.7), dbSNP rs1465420468, ClinGen allele CA406808897.

ClinVar aggregate classification (germline): Uncertain significance. Review status: criteria provided, multiple submitters, no conflicts (2 of 4 stars). 2 submissions from 2 submitters: Uncertain significance (2). Last evaluated 2022-03-08.

Conditions:
Cardiovascular phenotype. Identifiers: MedGen CN230736.
Progressive familial heart block type IB (PFHB1B). Identifiers: Orphanet 871, MedGen C1970298, MONDO:0011474, OMIM 604559.

Submissions (2):

Labcorp Genetics (formerly Invitae), Labcorp
Classification: Uncertain significance for Progressive familial heart block type IB. Last evaluated: 2022-03-08. Review status: criteria provided, single submitter. Criteria: Invitae Variant Classification Sherloc (09022015). Collection method: clinical testing. Allele origin: germline.
Comment: In summary, the available evidence is currently insufficient to determine the role of this variant in disease. Therefore, it has been classified as a Variant of Uncertain Significance. Algorithms developed to predict the effect of missense changes on protein structure and function are either unavailable or do not agree on the potential impact of this missense change (SIFT: "Tolerated"; PolyPhen-2: "Probably Damaging"; Align-GVGD: "Class C0"). This variant has not been reported in the literature in individuals affected with TRPM4-related conditions. This variant is not present in population databases (gnomAD no frequency). This sequence change replaces alanine, which is neutral and non-polar, with valine, which is neutral and non-polar, at codon 778 of the TRPM4 protein (p.Ala778Val).

Ambry Genetics
Classification: Uncertain significance for Cardiovascular phenotype. Last evaluated: 2021-11-09. Review status: criteria provided, single submitter. Criteria: Ambry Variant Classification Scheme 2023. Collection method: clinical testing. Allele origin: germline.
Comment: The p.A778V variant (also known as c.2333C>T), located in coding exon 17 of the TRPM4 gene, results from a C to T substitution at nucleotide position 2333. The alanine at codon 778 is replaced by valine, an amino acid with similar properties. This amino acid position is conserved. In addition, the in silico prediction for this alteration is inconclusive. Since supporting evidence is limited at this time, the clinical significance of this alteration remains unclear.